The following is an entry in ClinVar:

NM_004456.5(EZH2):c.73C>T (p.Arg25Ter)

Gene: EZH2 (enhancer of zeste 2 polycomb repressive complex 2 subunit; minus strand). Cytogenetic location: 7q36.1.
Variant type: single nucleotide variant.
Coding change: c.73C>T on transcript NM_004456.5 (MANE Select); coding-DNA position 73, C replaced by T.
Protein change: p.Arg25Ter; replaces arginine 25 with a stop codon.
Molecular consequence: nonsense.
Genome position (GRCh38, 1-based): chr7:148,847,226, G>A on the plus strand (C>T on the coding strand, the complement: EZH2 is on the minus strand). VCF-style: chr7-148847226-G-A. GRCh37 (hg19) VCF-style: chr7-148544318-G-A.
Other names: c.73C>T, p.Arg25Ter (NM_001203247.2, NM_001203248.2, NM_001203249.2 and 1 more transcripts); short protein forms R25*.
Identifiers: ClinVar variation 1310441 (VCV001310441.2), dbSNP rs1169410711, ClinGen allele CA369708481.

ClinVar aggregate classification (germline): Uncertain significance (1 of 4 stars; one submission).

Submission:

GeneDx
Classification: Uncertain significance. Last evaluated: 2019-12-11. Review status: criteria provided, single submitter. Criteria: GeneDx Variant Classification Process June 2021. Collection method: clinical testing. Allele origin: germline. Affected: yes.
Comment: Nonsense variant predicted to result in protein truncation or nonsense mediated decay in a gene for which loss-of-function is not a known mechanism of disease; Has not been previously reported as a pathogenic or benign germline variant to our knowledge, however the variant has been reported in patients with acute myeloid leukemia (Stasik et al., 2019); This variant is associated with the following publications: (PMID: 31413097)